The following is an entry in ClinVar:

NM_005732.4(RAD50):c.1633A>G (p.Lys545Glu)

Gene: RAD50 (RAD50 double strand break repair protein; plus strand). Cytogenetic location: 5q31.1.
Variant type: single nucleotide variant.
Coding change: c.1633A>G on transcript NM_005732.4 (MANE Select); coding-DNA position 1633, A replaced by G.
Protein change: p.Lys545Glu; replaces lysine 545 with glutamic acid.
Molecular consequence: missense variant.
Genome position (GRCh38, 1-based): chr5:132,591,404, A>G. VCF-style: chr5-132591404-A-G. GRCh37 (hg19) VCF-style: chr5-131927096-A-G.
Other names: short protein forms K545E.
Identifiers: ClinVar variation 1776870 (VCV001776870.3), dbSNP rs1253904315, ClinGen allele CA360946210.

ClinVar aggregate classification (germline): Uncertain significance (1 of 4 stars; one submission).

Conditions:
Hereditary cancer-predisposing syndrome. Also called: Neoplastic Syndromes, Hereditary; Tumor predisposition; Hereditary Cancer Syndrome; Hereditary neoplastic syndrome. Identifiers: Orphanet 140162, MedGen C0027672, MeSH D009386, MONDO:0015356.

Allele frequency attached by ClinVar (database versions not stated): gnomAD exomes below 0.00001; gnomAD 0.00001; TOPMed 0.00001.
gnomAD v4.1: 3 of 1,612,674 alleles (0.00019%); highest among the groups gnomAD compares: African/African-American, 0.0027%; no homozygotes.

Submission:

Ambry Genetics
Classification: Uncertain significance for Hereditary cancer-predisposing syndrome. Last evaluated: 2025-01-14. Review status: criteria provided, single submitter. Criteria: Ambry Variant Classification Scheme 2023. Collection method: clinical testing. Allele origin: germline.
Comment: The p.K545E variant (also known as c.1633A>G), located in coding exon 10 of the RAD50 gene, results from an A to G substitution at nucleotide position 1633. The lysine at codon 545 is replaced by glutamic acid, an amino acid with similar properties. This amino acid position is highly conserved in available vertebrate species. In addition, this alteration is predicted to be deleterious by in silico analysis. Since supporting evidence is limited at this time, the clinical significance of this alteration remains unclear.